The following is an entry in ClinVar:

ClinVar aggregate classification (germline): Pathogenic (1 of 4 stars; one submission).

Submission:

Labcorp Genetics (formerly Invitae), Labcorp
Classification: Pathogenic. Last evaluated: 2023-07-19. Review status: criteria provided, single submitter. Criteria: Invitae Variant Classification Sherloc (09022015). Collection method: clinical testing. Allele origin: germline.
Comment: This sequence change creates a premature translational stop signal (p.Trp1268*) in the LRP6 gene. It is expected to result in an absent or disrupted protein product. Loss-of-function variants in LRP6 are known to be pathogenic (PMID: 26387593). This variant is not present in population databases (gnomAD no frequency). This variant has not been reported in the literature in individuals affected with LRP6-related conditions. For these reasons, this variant has been classified as Pathogenic.

Literature cited by the submitters: PubMed 26387593.

NM_002336.3(LRP6):c.3804G>A (p.Trp1268Ter)

Gene: LRP6 (LDL receptor related protein 6; minus strand). Cytogenetic location: 12p13.2.
Variant type: single nucleotide variant.
Coding change: c.3804G>A on transcript NM_002336.3 (MANE Select); coding-DNA position 3804, G replaced by A.
Protein change: p.Trp1268Ter; replaces tryptophan 1268 with a stop codon.
Molecular consequence: nonsense. On other transcripts: non-coding transcript variant (1), intron variant (2).
Genome position (GRCh38, 1-based): chr12:12,131,987, C>T on the plus strand (G>A on the coding strand, the complement: LRP6 is on the minus strand). VCF-style: chr12-12131987-C-T. GRCh37 (hg19) VCF-style: chr12-12284921-C-T.
Other names: c.3897G>A, p.Trp1299Ter (NM_001414244.1); c.3804G>A, p.Trp1268Ter (NM_001414245.1, NM_001414248.1, NM_001414249.1 and 1 more transcripts); c.3606G>A, p.Trp1202Ter (NM_001414247.1); c.3351G>A, p.Trp1117Ter (NM_001414252.1, NM_001414253.1, NM_001414254.1); c.3297G>A, p.Trp1099Ter (NM_001414255.1); c.3608-1094G>A (NM_001414251.1); c.3734-65G>A (NM_001414246.1); short protein forms W1117*, W1268*, W1099*, W1202*, W1299*.
Identifiers: ClinVar variation 2866362 (VCV002866362.3), dbSNP rs2498640156, ClinGen allele CA383951882.
Genomic context (GRCh38, chr12:12,131,987, plus strand): 5'-GCATACAGGACAATTGAGTTCATCACTGTGGTCTTCACATTCAGTAAACCCATCGCACCG[C>T]CAAGCCACAGGGATACAGTCAATTTCCCCCGTGAAACAAGTAAACTGCTGAGGAGAACAT-3'